The following is an entry in ClinVar:

NM_032447.5(FBN3):c.5732A>G (p.His1911Arg)

Gene: FBN3 (fibrillin 3; minus strand). Cytogenetic location: 19p13.2.
Variant type: single nucleotide variant.
Coding change: c.5732A>G on transcript NM_032447.5 (MANE Select); coding-DNA position 5732, A replaced by G.
Protein change: p.His1911Arg; replaces histidine 1911 with arginine.
Molecular consequence: missense variant.
Genome position (GRCh38, 1-based): chr19:8,095,428, T>C on the plus strand (A>G on the coding strand, the complement: FBN3 is on the minus strand). VCF-style: chr19-8095428-T-C. GRCh37 (hg19) VCF-style: chr19-8160312-T-C.
Other names: c.5732A>G (NM_032447.3); c.5732A>G, p.His1911Arg (NM_001321431.2); short protein forms H1911R.
Identifiers: ClinVar variation 1976081 (VCV001976081.6), dbSNP rs2512689802, ClinGen allele CA403726918.

ClinVar aggregate classification (germline): Uncertain significance. Review status: criteria provided, multiple submitters, no conflicts (2 of 4 stars). 2 submissions from 2 submitters: Uncertain significance (2). Last evaluated 2025-08-29.

Submissions (2):

Ambry Genetics
Classification: Uncertain significance. Last evaluated: 2025-08-29. Review status: criteria provided, single submitter. Criteria: Ambry Variant Classification Scheme 2023. Collection method: clinical testing. Allele origin: germline.

Labcorp Genetics (formerly Invitae), Labcorp
Classification: Uncertain significance. Last evaluated: 2023-08-10. Review status: criteria provided, single submitter. Criteria: Invitae Variant Classification Sherloc (09022015). Collection method: clinical testing. Allele origin: germline.
Comment: This variant is not present in population databases (gnomAD no frequency). This sequence change replaces histidine, which is basic and polar, with arginine, which is basic and polar, at codon 1911 of the FBN3 protein (p.His1911Arg). This variant has not been reported in the literature in individuals affected with FBN3-related conditions. ClinVar contains an entry for this variant (Variation ID: 1976081). Advanced modeling of protein sequence and biophysical properties (such as structural, functional, and spatial information, amino acid conservation, physicochemical variation, residue mobility, and thermodynamic stability) performed at Invitae indicates that this missense variant is not expected to disrupt FBN3 protein function. In summary, the available evidence is currently insufficient to determine the role of this variant in disease. Therefore, it has been classified as a Variant of Uncertain Significance.